The following is an entry in ClinVar:

NM_000051.4(ATM):c.8521G>T (p.Asp2841Tyr)

Genes: C11orf65 (chromosome 11 open reading frame 65; minus strand), ATM (ATM serine/threonine kinase; plus strand). Cytogenetic location: 11q22.3.
Variant type: single nucleotide variant.
Coding change: c.8521G>T on transcript NM_000051.4 (MANE Select); coding-DNA position 8521, G replaced by T.
Protein change: p.Asp2841Tyr; replaces aspartic acid 2841 with tyrosine.
Molecular consequence: missense variant. On other transcripts: intron variant (2).
Genome position (GRCh38, 1-based): chr11:108,345,845, G>T. VCF-style: chr11-108345845-G-T. GRCh37 (hg19) VCF-style: chr11-108216572-G-T.
Other names: c.8521G>T, p.Asp2841Tyr (NM_001351834.2); c.641-36774C>A (NM_001330368.2); c.695-10553C>A (NM_001351110.2); short protein forms D2841Y.
Identifiers: ClinVar variation 186523 (VCV000186523.29), dbSNP rs786203013, ClinGen allele CA195080.

ClinVar aggregate classification (germline): Uncertain significance. Review status: criteria provided, multiple submitters, no conflicts (2 of 4 stars). 7 submissions from 7 submitters: Uncertain significance (6). 1 of the submissions does not count toward it. Last evaluated 2025-10-02.

Conditions:
Hereditary cancer-predisposing syndrome. Also called: Hereditary Cancer Syndrome; Tumor predisposition; Neoplastic Syndromes, Hereditary; Hereditary neoplastic syndrome. Identifiers: Orphanet 140162, MedGen C0027672, MeSH D009386, MONDO:0015356.
Ataxia-telangiectasia syndrome (AT). Also called: ATAXIA-TELANGIECTASIA, COMPLEMENTATION GROUP A; ATAXIA-TELANGIECTASIA, FRESNO VARIANT; Ataxia-telangiectasia; Ataxia-telangiectasia, complementation group E; Cerebello-oculocutaneous telangiectasia; Immunodeficiency with ataxia telangiectasia. Identifiers: Orphanet 100, MedGen C0004135, MONDO:0008840, OMIM 208900.

Allele frequency attached by ClinVar (database versions not stated): gnomAD exomes below 0.00001.
gnomAD v4.1: 5 of 1,613,846 alleles (0.00031%); highest among the groups gnomAD compares: Middle Eastern, 0.033%; no homozygotes.

Submissions (7):

Labcorp Genetics (formerly Invitae), Labcorp
Classification: Uncertain significance for Ataxia-telangiectasia syndrome. Last evaluated: 2025-10-02. Review status: criteria provided, single submitter. Criteria: Invitae Variant Classification Sherloc (09022015). Collection method: clinical testing. Allele origin: germline.
Comment: This sequence change replaces aspartic acid, which is acidic and polar, with tyrosine, which is neutral and polar, at codon 2841 of the ATM protein (p.Asp2841Tyr). This variant is present in population databases (rs786203013, gnomAD 0.006%). This variant has not been reported in the literature in individuals affected with ATM-related conditions. ClinVar contains an entry for this variant (Variation ID: 186523). Invitae Evidence Modeling of protein sequence and biophysical properties (such as structural, functional, and spatial information, amino acid conservation, physicochemical variation, residue mobility, and thermodynamic stability) indicates that this missense variant is expected to disrupt ATM protein function with a positive predictive value of 95%. RNA analysis performed to evaluate the impact of this missense change on mRNA splicing indicates it does not significantly alter splicing (internal data). In summary, the available evidence is currently insufficient to determine the role of this variant in disease. Therefore, it has been classified as a Variant of Uncertain Significance.

Ambry Genetics
Classification: Uncertain significance for Hereditary cancer-predisposing syndrome. Last evaluated: 2024-08-29. Review status: criteria provided, single submitter. Criteria: Ambry Variant Classification Scheme 2023. Collection method: clinical testing. Allele origin: germline.
Comment: The p.D2841Y variant (also known as c.8521G>T), located in coding exon 57 of the ATM gene, results from a G to T substitution at nucleotide position 8521. The aspartic acid at codon 2841 is replaced by tyrosine, an amino acid with highly dissimilar properties. This alteration was identified in an individual diagnosed with breast cancer (Al-Kafaji G et al. PLoS One, 2023 Sep;18:e0291015). This amino acid position is highly conserved in available vertebrate species. In addition, this alteration is predicted to be deleterious by in silico analysis. Based on the available evidence, the clinical significance of this variant remains unclear.

Revvity Omics, Revvity
Classification: Uncertain significance for Ataxia-telangiectasia syndrome. Last evaluated: 2023-11-16. Review status: criteria provided, single submitter. Criteria: ACMG Guidelines, 2015. Collection method: clinical testing. Allele origin: germline.

GeneDx
Classification: Uncertain significance. Last evaluated: 2023-11-14. Review status: criteria provided, single submitter. Criteria: GeneDx Variant Classification Process June 2021. Collection method: clinical testing. Allele origin: germline. Affected: yes.
Comment: Not observed at significant frequency in large population cohorts (gnomAD); In silico analysis supports that this missense variant has a deleterious effect on protein structure/function; Observed in an individual with a personal and/or family history of breast cancer (PMID: 37656691); This variant is associated with the following publications: (PMID: 23532176, 37656691)

Sema4
Classification: Uncertain significance for Hereditary cancer-predisposing syndrome. Last evaluated: 2022-03-15. Review status: criteria provided, single submitter. Criteria: Sema4 Curation Guidelines. Collection method: curation. Allele origin: germline.
Comment: The ATM c.8521G>T (p.D2841Y) variant has not been reported in the literature to our knowledge. It was observed in 1/18392 chromosomes of the East Asian subpopulation in the Genome Aggregation Database (PMID: 32461654). This variant has been reported in ClinVar (Variation ID 186523). In silico tools suggest that the impact of the variant on protein function is deleterious, though these predictions have not been confirmed by functional studies. The evidence is insufficient to meet ACMG/AMP criteria for classifying the variant as benign or pathogenic. Thus, the clinical significance of this variant is currently uncertain.

Color Diagnostics, LLC DBA Color Health
Classification: Uncertain significance for Hereditary cancer-predisposing syndrome. Last evaluated: 2019-12-04. Review status: criteria provided, single submitter. Criteria: ACMG Guidelines, 2015. Collection method: clinical testing. Allele origin: germline.
Comment: This missense variant replaces aspartic acid with tyrosine at codon 2841 of the ATM protein. Computational prediction suggests that this variant may have deleterious impact on protein structure and function (internally defined REVEL score threshold >= 0.7, PMID: 27666373). Splice site prediction tools suggest that this variant may not impact RNA splicing. To our knowledge, functional studies have not been performed for this variant. This variant has not been reported in individuals affected with hereditary cancer in the literature. This variant has been identified in 1/251232 chromosomes in the general population by the Genome Aggregation Database (gnomAD). The available evidence is insufficient to determine the role of this variant in disease conclusively. Therefore, this variant is classified as a Variant of Uncertain Significance.

Natera, Inc.
Classification: Uncertain significance for Ataxia-telangiectasia. Last evaluated: 2020-11-11. Review status: no assertion criteria provided. Collection method: clinical testing. Allele origin: germline. Not counted in ClinVar's aggregate classification.

Literature cited by the submitters: PubMed 37656691 (cited by Ambry Genetics).